The following is an entry in ClinVar:

ClinVar aggregate classification (germline): Uncertain significance (1 of 4 stars; one submission).

Conditions:
Mitochondrial DNA depletion syndrome 13. Also called: FBXL4-Related Encephalomyopathic Mitochondrial DNA Depletion Syndrome; Mitochondrial DNA depletion syndrome 13 (encephalomyopathic type). Identifiers: Orphanet 369897, MedGen C3809592, MONDO:0014198, OMIM 615471.

Allele frequency attached by ClinVar (database versions not stated): gnomAD exomes below 0.00001; ExAC 0.00001.
gnomAD v4.1: 1 of 1,613,942 alleles (0.000062%); highest among the groups gnomAD compares: South Asian, 0.0011%; no homozygotes.

Submission:

Wong Mito Lab, Molecular and Human Genetics, Baylor College of Medicine
Classification: Uncertain significance for Mitochondrial DNA depletion syndrome 13. Last evaluated: 2017-08-10. Review status: criteria provided, single submitter. Criteria: ACMG Guidelines, 2015. Collection method: reference population. Allele origin: germline.
Comment: The NM_012160.4:c.946G>T (NP_036292.2:p.Asp316Tyr) [GRCH38: NC_000006.12:g.98905583C>A] variant in FBXL4 gene is interpretated to be a Uncertain Significance - Conflicting Evidence based on ACMG guidelines (PMID: 25741868). This variant meets one or more of the following evidence codes reported in the ACMG-guideline. PM2:This variant is absent in key population databases. BP4:Computational evidence/predictors indicate no impact on the FBXL4 structure, function, or protein-protein interaction. Based on this evidence code ClinGen Pathogenicity Calculator (PMID:28081714) suggested that the variant is Uncertain Significance - Conflicting Evidence.

NM_001278716.2(FBXL4):c.946G>T (p.Asp316Tyr)

Gene: FBXL4 (F-box and leucine rich repeat protein 4; minus strand). Cytogenetic location: 6q16.2.
Variant type: single nucleotide variant.
Coding change: c.946G>T on transcript NM_001278716.2 (MANE Select); coding-DNA position 946, G replaced by T.
Protein change: p.Asp316Tyr; replaces aspartic acid 316 with tyrosine.
Molecular consequence: missense variant. On other transcripts: non-coding transcript variant (2).
Genome position (GRCh38, 1-based): chr6:98,905,583, C>A on the plus strand (G>T on the coding strand, the complement: FBXL4 is on the minus strand). VCF-style: chr6-98905583-C-A. GRCh37 (hg19) VCF-style: chr6-99353459-C-A.
Other names: c.946G>T, p.Asp316Tyr (NM_012160.5); short protein forms D316Y.
Identifiers: ClinVar variation 437662 (VCV000437662.1), dbSNP rs754658764, ClinGen allele CA3933577.